The following is an entry in ClinVar:

NM_001267550.2(TTN):c.33225A>G (p.Lys11075=)

Gene: TTN (titin; minus strand). Cytogenetic location: 2q31.2.
Variant type: single nucleotide variant.
Coding change: c.33225A>G on transcript NM_001267550.2 (MANE Select); coding-DNA position 33225, A replaced by G.
Protein change: p.Lys11075=; no amino-acid change (lysine 11075 retained).
Molecular consequence: synonymous variant. On other transcripts: intron variant (3).
Genome position (GRCh38, 1-based): chr2:178,681,398, T>C on the plus strand (A>G on the coding strand, the complement: TTN is on the minus strand). VCF-style: chr2-178681398-T-C. GRCh37 (hg19) VCF-style: chr2-179546125-T-C.
Other names: c.32274A>G, p.Lys10758= (NM_001256850.1); c.29493A>G, p.Lys9831= (NM_133378.4); c.13283-39081A>G (NM_003319.4); c.13859-39081A>G (NM_133437.4); c.13658-39081A>G (NM_133432.3).
Identifiers: ClinVar variation 514993 (VCV000514993.1), dbSNP rs1553836388, ClinGen allele CA430128057.

ClinVar aggregate classification (germline): Likely benign (1 of 4 stars; one submission).

Submission:

GeneDx
Classification: Likely benign. Last evaluated: 2018-01-18. Review status: criteria provided, single submitter. Criteria: GeneDx Variant Classification (06012015). Collection method: clinical testing. Allele origin: germline. Affected: yes.
Comment: This variant is considered likely benign or benign based on one or more of the following criteria: it is a conservative change, it occurs at a poorly conserved position in the protein, it is predicted to be benign by multiple in silico algorithms, and/or has population frequency not consistent with disease.